The following is an entry in ClinVar:

ClinVar aggregate classification (germline): Likely pathogenic (3 of 4 stars; one submission).

Conditions:
Phenylketonuria (PKU). Also called: Phenylketonuria (PKU); FOLLING DISEASE; OLIGOPHRENIA PHENYLPYRUVICA; Phenylketonurias. Identifiers: Orphanet 716, MedGen C0031485, MONDO:0009861, OMIM 261600. Disease mechanism: loss of function.

Submission:

ClinGen PAH Variant Curation Expert Panel
Classification: Likely pathogenic for Phenylketonuria. Last evaluated: 2020-08-13. Review status: reviewed by expert panel. Criteria: ClinGen PAH ACMG Specifications v1. Collection method: curation. Allele origin: germline. Inheritance: Autosomal recessive inheritance.
Comment: The c.1249T>G (p.Tyr417Asp) variant in PAH has been reported in 1 individual with PAH deficiency (PMID: 10693064). This variant is absent in population databases. Computational evidence support a deleterious effect. Another missense variant at the same amino acid (p.Tyr417His) is interpreted as pathogenic. In summary, this variant meets criteria to be classified as likely pathogenic for PAH. PAH-specific ACMG/AMP criteria applied: PM2, PM5, PP3, PP4.

Literature cited by the submitters: PubMed 10693064.

NM_000277.3(PAH):c.1249T>G (p.Tyr417Asp)

Gene: PAH (phenylalanine hydroxylase; minus strand). Cytogenetic location: 12q23.2.
Variant type: single nucleotide variant.
Coding change: c.1249T>G on transcript NM_000277.3 (MANE Select); coding-DNA position 1249, T replaced by G.
Protein change: p.Tyr417Asp; replaces tyrosine 417 with aspartic acid.
Molecular consequence: missense variant.
Genome position (GRCh38, 1-based): chr12:102,840,466, A>C on the plus strand (T>G on the coding strand, the complement: PAH is on the minus strand). VCF-style: chr12-102840466-A-C. GRCh37 (hg19) VCF-style: chr12-103234244-A-C.
Other names: NM_000277.1:c.1249T>G; c.1249T>G, p.Tyr417Asp (NM_001354304.2); short protein forms Y417D.
Identifiers: ClinVar variation 1327552 (VCV001327552.1), dbSNP rs62644471, ClinGen allele CA16020982.